The following is an entry in ClinVar:

ClinVar aggregate classification (germline): Uncertain significance. Review status: criteria provided, multiple submitters, no conflicts (2 of 4 stars). 2 submissions from 2 submitters: Uncertain significance (2). Last evaluated 2025-08-18.

Allele frequency attached by ClinVar (database versions not stated): ExAC 0.00001; gnomAD exomes 0.00001.
gnomAD v4.1: 22 of 1,613,500 alleles (0.0014%); highest among the groups gnomAD compares: Non-Finnish European, 0.0016%; 1 homozygote.

Submissions (2):

Ambry Genetics
Classification: Uncertain significance. Last evaluated: 2025-08-18. Review status: criteria provided, single submitter. Criteria: Ambry Variant Classification Scheme 2023. Collection method: clinical testing. Allele origin: germline.
Comment: The p.E1211D variant (also known as c.3633G>C), located in coding exon 32 of the KIF1B gene, results from a G to C substitution at nucleotide position 3633. The glutamic acid at codon 1211 is replaced by aspartic acid, an amino acid with highly similar properties. This amino acid position is highly conserved in available vertebrate species. In addition, the in silico prediction for this alteration is inconclusive. The evidence for this gene-disease relationship is limited; therefore, the clinical significance of this alteration is unclear.

Blueprint Genetics
Classification: Uncertain significance. Last evaluated: 2023-02-08. Review status: criteria provided, single submitter. Criteria: ACMG Guidelines, 2015. Collection method: clinical testing. Allele origin: germline.

NM_001365951.3(KIF1B):c.3771G>C (p.Glu1257Asp)

Gene: KIF1B (kinesin family member 1B; plus strand). Cytogenetic location: 1p36.22.
Variant type: single nucleotide variant.
Coding change: c.3771G>C on transcript NM_001365951.3 (MANE Select); coding-DNA position 3771, G replaced by C.
Protein change: p.Glu1257Asp; replaces glutamic acid 1257 with aspartic acid.
Molecular consequence: missense variant.
Genome position (GRCh38, 1-based): chr1:10,345,927, G>C. VCF-style: chr1-10345927-G-C. GRCh37 (hg19) VCF-style: chr1-10405985-G-C.
Other names: c.3771G>C, p.Glu1257Asp (NM_001365952.1); c.3633G>C, p.Glu1211Asp (NM_015074.3); short protein forms E1211D, E1257D.
Identifiers: ClinVar variation 1733430 (VCV001733430.5), dbSNP rs781643526, ClinGen allele CA581867.
Genomic context (GRCh38, chr1:10,345,927, plus strand): 5'-GATGAGCAAAACCAGCCTTGGCCAGAGCATGAGCAAGTATGACCTCCTGGTTTGGTTTGA[G>C]ATCAGTGAACTGGAGCCTACAGGAGAGTAAGTCCAACTTAATAAATTTTTAAATAAGGCA-3'
Protein context (NP_001352880.1, residues 1247-1267): MSKYDLLVWF[Glu1257Asp]ISELEPTGEY